The following is an entry in ClinVar:

NM_015631.6(TCTN3):c.1029G>A (p.Leu343=)

Gene: TCTN3 (tectonic family member 3; minus strand). Cytogenetic location: 10q24.1.
Variant type: single nucleotide variant.
Coding change: c.1029G>A on transcript NM_015631.6 (MANE Select); coding-DNA position 1029, G replaced by A.
Protein change: p.Leu343=; no amino-acid change (leucine 343 retained).
Molecular consequence: synonymous variant. On other transcripts: intron variant (1).
Genome position (GRCh38, 1-based): chr10:95,684,565, C>T on the plus strand (G>A on the coding strand, the complement: TCTN3 is on the minus strand). VCF-style: chr10-95684565-C-T. GRCh37 (hg19) VCF-style: chr10-97444322-C-T.
Other names: c.1083G>A, p.Leu361= (NM_001013840.1); c.948G>A, p.Leu316= (NM_001410982.1); c.652-936G>A (NM_001143973.2); c.1029G>A (NM_015631.5).
Identifiers: ClinVar variation 2183682 (VCV002183682.7), dbSNP rs781247420, ClinGen allele CA5620980.
Genomic context (GRCh38, chr10:95,684,565, plus strand): 5'-GCGAAGGATGAAGTGTTGCTGTAAGGAAGCGCCTGGCTCAACAGTCAGGTTGGTTTGTCC[C>T]AAACTGACAGAAACTTTCTGGATTCCAAAAGTCCCATTGGTCTCTATCTCATAGGTGACC-3'
Protein context (NP_056446.4, residues 333-353): TFGIQKVSVS[Leu343=]GQTNLTVEPG

ClinVar aggregate classification (germline): Likely benign. Review status: criteria provided, multiple submitters, no conflicts (2 of 4 stars). 3 submissions from 3 submitters: Likely benign (2). 1 of the submissions does not count toward it. Last evaluated 2024-05-10.

Conditions:
Orofacial-digital syndrome IV (OFD4). Also called: MOHR-MAJEWSKI SYNDROME; Orofaciodigital syndrome IV; BARAITSER-BURN SYNDROME; OFD SYNDROME WITH TIBIAL DEFECTS; OFD SYNDROME, BARAITSER-BURN TYPE; OFDS IV. Identifiers: Orphanet 2753, MedGen C0406727, MONDO:0009794, OMIM 258860.
Joubert syndrome 18 (JBTS18). Identifiers: Orphanet 2754, MedGen C3553758, MONDO:0013896, OMIM 614815.
TCTN3-related disorder. Also called: TCTN3-related condition.

Allele frequency attached by ClinVar (database versions not stated): gnomAD 0.00001; ExAC 0.00002; TOPMed 0.00002.
gnomAD v4.1: 133 of 1,613,928 alleles (0.0082%); highest among the groups gnomAD compares: Non-Finnish European, 0.011%; no homozygotes.

Submissions (3):

Blueprint Genetics
Classification: Likely benign. Last evaluated: 2024-05-10. Review status: criteria provided, single submitter. Criteria: ACMG Guidelines, 2015. Collection method: clinical testing. Allele origin: germline.

Labcorp Genetics (formerly Invitae), Labcorp
Classification: Likely benign for Joubert syndrome 18; Orofacial-digital syndrome IV. Last evaluated: 2023-12-21. Review status: criteria provided, single submitter. Criteria: Invitae Variant Classification Sherloc (09022015). Collection method: clinical testing. Allele origin: germline.

PreventionGenetics, part of Exact Sciences
Classification: Likely benign for TCTN3-related condition. Last evaluated: 2023-08-08. Review status: no assertion criteria provided. Collection method: clinical testing. Allele origin: germline. Not counted in ClinVar's aggregate classification.
Comment: This variant is classified as likely benign based on ACMG/AMP sequence variant interpretation guidelines (Richards et al. 2015 PMID: 25741868, with internal and published modifications).